The following is an entry in ClinVar:

ClinVar aggregate classification (germline): Uncertain significance. Review status: criteria provided, multiple submitters, no conflicts (2 of 4 stars). 2 submissions from 2 submitters: Uncertain significance (2). Last evaluated 2025-10-25.

Conditions:
DICER1-related tumor predisposition. Also called: DICER1-related pleuropulmonary blastoma cancer predisposition syndrome; DICER1 syndrome. Identifiers: Orphanet 284343, MedGen C3839822, MONDO:0100216.
Hereditary cancer-predisposing syndrome. Also called: Tumor predisposition; Hereditary neoplastic syndrome; Hereditary Cancer Syndrome; Neoplastic Syndromes, Hereditary. Identifiers: Orphanet 140162, MedGen C0027672, MeSH D009386, MONDO:0015356.

Submissions (2):

Ambry Genetics
Classification: Uncertain significance for Hereditary cancer-predisposing syndrome. Last evaluated: 2025-10-25. Review status: criteria provided, single submitter. Criteria: Ambry Variant Classification Scheme 2023. Collection method: clinical testing. Allele origin: germline.
Comment: The p.N1120I variant (also known as c.3359A>T), located in coding exon 20 of the DICER1 gene, results from an A to T substitution at nucleotide position 3359. The asparagine at codon 1120 is replaced by isoleucine, an amino acid with dissimilar properties. This amino acid position is conserved. In addition, this alteration is predicted to be tolerated by in silico analysis. Based on the available evidence, the clinical significance of this variant remains unclear.

Labcorp Genetics (formerly Invitae), Labcorp
Classification: Uncertain significance for DICER1-related tumor predisposition. Last evaluated: 2024-03-16. Review status: criteria provided, single submitter. Criteria: Invitae Variant Classification Sherloc (09022015). Collection method: clinical testing. Allele origin: germline.
Comment: This sequence change replaces asparagine, which is neutral and polar, with isoleucine, which is neutral and non-polar, at codon 1120 of the DICER1 protein (p.Asn1120Ile). This variant is not present in population databases (gnomAD no frequency). This variant has not been reported in the literature in individuals affected with DICER1-related conditions. Advanced modeling of protein sequence and biophysical properties (such as structural, functional, and spatial information, amino acid conservation, physicochemical variation, residue mobility, and thermodynamic stability) performed at Invitae indicates that this missense variant is not expected to disrupt DICER1 protein function with a negative predictive value of 80%. In summary, the available evidence is currently insufficient to determine the role of this variant in disease. Therefore, it has been classified as a Variant of Uncertain Significance.

NM_177438.3(DICER1):c.3359A>T (p.Asn1120Ile)

Gene: DICER1 (dicer 1, ribonuclease III; minus strand). Cytogenetic location: 14q32.13.
Variant type: single nucleotide variant.
Coding change: c.3359A>T on transcript NM_177438.3 (MANE Select); coding-DNA position 3359, A replaced by T.
Protein change: p.Asn1120Ile; replaces asparagine 1120 with isoleucine.
Molecular consequence: missense variant. On other transcripts: non-coding transcript variant (6).
Genome position (GRCh38, 1-based): chr14:95,104,037, T>A on the plus strand (A>T on the coding strand, the complement: DICER1 is on the minus strand). VCF-style: chr14-95104037-T-A. GRCh37 (hg19) VCF-style: chr14-95570374-T-A.
Other names: c.3359A>T, p.Asn1120Ile (NM_001195573.1, NM_001271282.3, NM_001291628.2 and 12 more transcripts); c.3077A>T, p.Asn1026Ile (NM_001395686.1); c.2954A>T, p.Asn985Ile (NM_001395687.1, NM_001395688.1, NM_001395689.1 and 2 more transcripts); c.2792A>T, p.Asn931Ile (NM_001395691.1); c.1676A>T, p.Asn559Ile (NM_001395697.1); short protein forms N559I, N1026I, N985I, N1120I, N931I.
Identifiers: ClinVar variation 3696166 (VCV003696166.3).